The following is an entry in ClinVar:

NM_001122752.2(SERPINI1):c.566A>G (p.Asn189Ser)

Gene: SERPINI1 (serpin family I member 1; plus strand). Cytogenetic location: 3q26.1.
Variant type: single nucleotide variant.
Coding change: c.566A>G on transcript NM_001122752.2 (MANE Select); coding-DNA position 566, A replaced by G.
Protein change: p.Asn189Ser; replaces asparagine 189 with serine.
Molecular consequence: missense variant.
Genome position (GRCh38, 1-based): chr3:167,792,674, A>G. VCF-style: chr3-167792674-A-G. GRCh37 (hg19) VCF-style: chr3-167510462-A-G.
Other names: c.566A>G, p.Asn189Ser (NM_005025.5); short protein forms N189S.
Identifiers: ClinVar variation 961032 (VCV000961032.9), dbSNP rs566381455, ClinGen allele CA355156611.

ClinVar aggregate classification (germline): Uncertain significance (1 of 4 stars; one submission).

Conditions:
Familial encephalopathy with neuroserpin inclusion bodies. Also called: ENCEPHALOPATHY, FAMILIAL, WITH COLLINS BODIES. Identifiers: Orphanet 85110, MedGen C1858680, MONDO:0011412, OMIM 604218.

Submission:

Labcorp Genetics (formerly Invitae), Labcorp
Classification: Uncertain significance for Familial encephalopathy with neuroserpin inclusion bodies. Last evaluated: 2024-02-20. Review status: criteria provided, single submitter. Criteria: Invitae Variant Classification Sherloc (09022015). Collection method: clinical testing. Allele origin: germline.
Comment: This sequence change replaces asparagine, which is neutral and polar, with serine, which is neutral and polar, at codon 189 of the SERPINI1 protein (p.Asn189Ser). This variant is not present in population databases (gnomAD no frequency). This variant has not been reported in the literature in individuals affected with SERPINI1-related conditions. ClinVar contains an entry for this variant (Variation ID: 961032). Advanced modeling of protein sequence and biophysical properties (such as structural, functional, and spatial information, amino acid conservation, physicochemical variation, residue mobility, and thermodynamic stability) performed at Invitae indicates that this missense variant is not expected to disrupt SERPINI1 protein function with a negative predictive value of 80%. In summary, the available evidence is currently insufficient to determine the role of this variant in disease. Therefore, it has been classified as a Variant of Uncertain Significance.